The following is an entry in ClinVar:

NM_001136191.3(KANK2):c.19G>A (p.Val7Met)

Gene: KANK2 (KN motif and ankyrin repeat domains 2; minus strand). Cytogenetic location: 19p13.2.
Variant type: single nucleotide variant.
Coding change: c.19G>A on transcript NM_001136191.3 (MANE Select); coding-DNA position 19, G replaced by A.
Protein change: p.Val7Met; replaces valine 7 with methionine.
Molecular consequence: missense variant.
Genome position (GRCh38, 1-based): chr19:11,194,493, C>T on the plus strand (G>A on the coding strand, the complement: KANK2 is on the minus strand). VCF-style: chr19-11194493-C-T. GRCh37 (hg19) VCF-style: chr19-11305169-C-T.
Other names: c.19G>A, p.Val7Met (NM_001329451.2, NM_001379548.1, NM_001379549.1 and 15 more transcripts); short protein forms V7M.
Identifiers: ClinVar variation 4778917 (VCV004778917.1).
Genomic context (GRCh38, chr19:11,194,493, plus strand): 5'-GAAGCTCCCCGGGGCAGGGCCCTCTTCCCTGAGTCCCCTGACCTGGGAAGGGAGCAGGCA[C>T]GTGCAGGACCTGGGCCATCTTCTTTTCTACAGATGCTCCTTGGAAGTCACTTGAGGGACT-3'
Protein context (NP_001129663.1, residues 1-17): MAQVLH[Val7Met]PAPFPGTPGP

ClinVar aggregate classification (germline): Uncertain significance (1 of 4 stars; one submission).

Submission:

Labcorp Genetics (formerly Invitae), Labcorp
Classification: Uncertain significance. Last evaluated: 2025-11-16. Review status: criteria provided, single submitter. Criteria: Invitae Variant Classification Sherloc (09022015). Collection method: clinical testing. Allele origin: germline.
Comment: This sequence change replaces valine, which is neutral and non-polar, with methionine, which is neutral and non-polar, at codon 7 of the KANK2 protein (p.Val7Met). This variant is present in population databases (rs769937562, gnomAD 0.002%). This variant has not been reported in the literature in individuals affected with KANK2-related conditions. An algorithm developed to predict the effect of missense changes on protein structure and function outputs the following: PolyPhen-2: "Benign". The methionine amino acid residue is found in multiple mammalian species, which suggests that this missense change does not adversely affect protein function. In summary, the available evidence is currently insufficient to determine the role of this variant in disease. Therefore, it has been classified as a Variant of Uncertain Significance.